The following is an entry in ClinVar:

NM_000037.4(ANK1):c.4390+4A>G

Gene: ANK1 (ankyrin 1; minus strand). Cytogenetic location: 8p11.21.
Variant type: single nucleotide variant.
Coding change: c.4390+4A>G on transcript NM_000037.4 (MANE Select); 4 bases into the intron after coding-DNA position 4390, A replaced by G.
Molecular consequence: intron variant.
Genome position (GRCh38, 1-based): chr8:41,686,148, T>C on the plus strand (A>G on the coding strand, the complement: ANK1 is on the minus strand). VCF-style: chr8-41686148-T-C. GRCh37 (hg19) VCF-style: chr8-41543666-T-C.
Other names: p.?; c.4513+4A>G (NM_001142446.2); c.4390+4A>G (NM_020477.3, NM_020475.3, NM_020476.3).
Identifiers: ClinVar variation 3767034 (VCV003767034.2).

ClinVar aggregate classification (germline): Uncertain significance. Review status: criteria provided, multiple submitters, no conflicts (2 of 4 stars). 2 submissions from 2 submitters: Uncertain significance (2). Last evaluated 2025-01-22.

Conditions:
Hereditary spherocytosis type 1. Also called: Spherocytosis type 1; ANK1-Related Spherocytosis. Identifiers: Orphanet 822, MedGen C2674218, MONDO:0008447, OMIM 182900.

gnomAD v4.1: 1 of 1,614,248 alleles (0.000062%); highest among the groups gnomAD compares: Non-Finnish European, 0.000085%; no homozygotes.

Submissions (2):

Mayo Clinic Laboratories, Mayo Clinic
Classification: Uncertain significance. Last evaluated: 2025-01-22. Review status: criteria provided, single submitter. Criteria: ACMG Guidelines, 2015. Collection method: clinical testing. Allele origin: germline. Observed: 1 variant allele.
Comment: PP3, PM2_supporting, PM6

ARUP Laboratories, Molecular Genetics and Genomics, ARUP Laboratories
Classification: Uncertain significance for Hereditary spherocytosis type 1. Last evaluated: 2024-01-25. Review status: criteria provided, single submitter. Criteria: ARUP Molecular Germline Variant Investigation Process 2024. Collection method: clinical testing. Allele origin: germline.

Literature cited by the submitters: PubMed 32436265 (cited by Mayo Clinic Laboratories, Mayo Clinic).